The following is an entry in ClinVar:

ClinVar aggregate classification (germline): Pathogenic (1 of 4 stars; one submission).

Conditions:
Factor VIII deficiency. Identifiers: MedGen C3494187, OMIM 134500.

Submission:

North West Genomic Laboratory Hub, Manchester University NHS Foundation Trust
Classification: Pathogenic for Factor VIII deficiency. Last evaluated: 2025-04-16. Review status: criteria provided, single submitter. Criteria: ACGS Best Practice Guidelines for Variant Classification in Rare Disease 2024. Collection method: clinical testing. Allele origin: germline. Affected: yes.
Comment: PM2_Mod PVS1_VStr PP4_Mod PS4_Supp

NM_000132.4(F8):c.3341C>A (p.Ser1114Ter)

Gene: F8 (coagulation factor VIII; minus strand). Cytogenetic location: Xq28.
Variant type: single nucleotide variant.
Coding change: c.3341C>A on transcript NM_000132.4 (MANE Select); coding-DNA position 3341, C replaced by A.
Protein change: p.Ser1114Ter; replaces serine 1114 with a stop codon.
Molecular consequence: nonsense.
Genome position (GRCh38, 1-based): chrX:154,930,449, G>T on the plus strand (C>A on the coding strand, the complement: F8 is on the minus strand). VCF-style: chrX-154930449-G-T. GRCh37 (hg19) VCF-style: chrX-154158724-G-T.
Other names: short protein forms S1114*.
Identifiers: ClinVar variation 4852401 (VCV004852401.1).